The following is an entry in ClinVar:

NM_004655.4(AXIN2):c.1713-1G>A

Gene: AXIN2 (axin 2; minus strand). Cytogenetic location: 17q24.1.
Variant type: single nucleotide variant.
Coding change: c.1713-1G>A on transcript NM_004655.4 (MANE Select); the canonical splice acceptor site of the intron before coding-DNA position 1713, G replaced by A.
Molecular consequence: splice acceptor variant. On other transcripts: intron variant (1).
Genome position (GRCh38, 1-based): chr17:65,537,064, C>T on the plus strand (G>A on the coding strand, the complement: AXIN2 is on the minus strand). VCF-style: chr17-65537064-C-T. GRCh37 (hg19) VCF-style: chr17-63533182-C-T.
Other names: c.1712+260G>A (NM_001363813.1).
Identifiers: ClinVar variation 819889 (VCV000819889.11), dbSNP rs1309148182, ClinGen allele CA400676768.

ClinVar aggregate classification (germline): Likely pathogenic. Review status: criteria provided, multiple submitters, no conflicts (2 of 4 stars). 2 submissions from 2 submitters: Likely pathogenic (2). Last evaluated 2024-12-31.

Conditions:
Hereditary cancer-predisposing syndrome. Also called: Neoplastic Syndromes, Hereditary; Tumor predisposition; Hereditary Cancer Syndrome; Hereditary neoplastic syndrome. Identifiers: Orphanet 140162, MedGen C0027672, MeSH D009386, MONDO:0015356.
Oligodontia-cancer predisposition syndrome. Also called: TOOTH AGENESIS-COLORECTAL CANCER SYNDROME. Identifiers: Orphanet 300576, MedGen C1837750, MONDO:0012075, OMIM 608615. Disease mechanism: loss of function.

Submissions (2):

Ambry Genetics
Classification: Likely pathogenic for Hereditary cancer-predisposing syndrome. Last evaluated: 2024-12-31. Review status: criteria provided, single submitter. Criteria: Ambry Variant Classification Scheme 2023. Collection method: clinical testing. Allele origin: germline.
Comment: The c.1713-1G>A intronic variant results from a G to A substitution one nucleotide upstream from coding exon 6 of the AXIN2 gene. This nucleotide position is highly conserved in available vertebrate species. In silico splice site analysis predicts that this alteration will weaken the native splice acceptor site; however, direct evidence is insufficient at this time (Ambry internal data). Alterations that disrupt the canonical splice site are expected to cause aberrant splicing, resulting in an abnormal protein or a transcript that is subject to nonsense-mediated mRNA decay. As such, this alteration is classified as likely pathogenic.

Labcorp Genetics (formerly Invitae), Labcorp
Classification: Likely pathogenic for Oligodontia-cancer predisposition syndrome. Last evaluated: 2021-11-12. Review status: criteria provided, single submitter. Criteria: Invitae Variant Classification Sherloc (09022015). Collection method: clinical testing. Allele origin: germline.
Comment: In summary, the currently available evidence indicates that the variant is pathogenic, but additional data are needed to prove that conclusively. Therefore, this variant has been classified as Likely Pathogenic. Algorithms developed to predict the effect of sequence changes on RNA splicing suggest that this variant may disrupt the consensus splice site. ClinVar contains an entry for this variant (Variation ID: 819889). This variant has not been reported in the literature in individuals affected with AXIN2-related conditions. This variant is not present in population databases (gnomAD no frequency). This sequence change affects an acceptor splice site in intron 6 of the AXIN2 gene. It is expected to disrupt RNA splicing. Variants that disrupt the donor or acceptor splice site typically lead to a loss of protein function (PMID: 16199547), and loss-of-function variants in AXIN2 are known to be pathogenic (PMID: 15042511, 21416598).

Literature cited by the submitters: PubMed 16199547 (cited by Labcorp Genetics (formerly Invitae), Labcorp); PubMed 15042511 (cited by Labcorp Genetics (formerly Invitae), Labcorp); PubMed 21416598 (cited by Labcorp Genetics (formerly Invitae), Labcorp).